The following is an entry in ClinVar:

ClinVar aggregate classification (germline): Uncertain significance (1 of 4 stars; one submission).

Conditions:
Thrombophilia due to protein S deficiency, autosomal recessive (THPH6). Identifiers: Orphanet 743, MedGen C3281092, MONDO:0013791, OMIM 614514. Disease mechanism: loss of function.

Submission:

Labcorp Genetics (formerly Invitae), Labcorp
Classification: Uncertain significance for Thrombophilia due to protein S deficiency, autosomal recessive. Last evaluated: 2024-07-31. Review status: criteria provided, single submitter. Criteria: Invitae Variant Classification Sherloc (09022015). Collection method: clinical testing. Allele origin: germline.
Comment: This sequence change replaces aspartic acid, which is acidic and polar, with valine, which is neutral and non-polar, at codon 447 of the PROS1 protein (p.Asp447Val). This variant is not present in population databases (gnomAD no frequency). This variant has not been reported in the literature in individuals affected with PROS1-related conditions. Advanced modeling of protein sequence and biophysical properties (such as structural, functional, and spatial information, amino acid conservation, physicochemical variation, residue mobility, and thermodynamic stability) performed at Invitae indicates that this missense variant is expected to disrupt PROS1 protein function with a positive predictive value of 80%. In summary, the available evidence is currently insufficient to determine the role of this variant in disease. Therefore, it has been classified as a Variant of Uncertain Significance.

NM_000313.4(PROS1):c.1340A>T (p.Asp447Val)

Gene: PROS1 (protein S; minus strand). Cytogenetic location: 3q11.1.
Variant type: single nucleotide variant.
Coding change: c.1340A>T on transcript NM_000313.4 (MANE Select); coding-DNA position 1340, A replaced by T.
Protein change: p.Asp447Val; replaces aspartic acid 447 with valine.
Molecular consequence: missense variant.
Genome position (GRCh38, 1-based): chr3:93,884,880, T>A on the plus strand (A>T on the coding strand, the complement: PROS1 is on the minus strand). VCF-style: chr3-93884880-T-A. GRCh37 (hg19) VCF-style: chr3-93603724-T-A.
Other names: c.1436A>T, p.Asp479Val (NM_001314077.2); short protein forms D447V, D479V.
Identifiers: ClinVar variation 3661026 (VCV003661026.2).